The following is an entry in ClinVar:

NM_012414.4(RAB3GAP2):c.46G>A (p.Ala16Thr)

Gene: RAB3GAP2 (RAB3 GTPase activating non-catalytic protein subunit 2; minus strand). Cytogenetic location: 1q41.
Variant type: single nucleotide variant.
Coding change: c.46G>A on transcript NM_012414.4 (MANE Select); coding-DNA position 46, G replaced by A.
Protein change: p.Ala16Thr; replaces alanine 16 with threonine.
Molecular consequence: missense variant.
Genome position (GRCh38, 1-based): chr1:220,272,292, C>T on the plus strand (G>A on the coding strand, the complement: RAB3GAP2 is on the minus strand). VCF-style: chr1-220272292-C-T. GRCh37 (hg19) VCF-style: chr1-220445634-C-T.
Other names: short protein forms A16T.
Identifiers: ClinVar variation 295672 (VCV000295672.9), dbSNP rs201514595, ClinGen allele CA1403159.

ClinVar aggregate classification (germline): Uncertain significance. Review status: criteria provided, multiple submitters, no conflicts (2 of 4 stars). 3 submissions from 2 submitters: Uncertain significance (3). Last evaluated 2021-10-25.

Conditions:
Warburg micro syndrome 2 (WARBM2). Also called: MICRO SYNDROME 2. Identifiers: Orphanet 2510, MedGen C3280214, MONDO:0013641, OMIM 614225.
Martsolf syndrome (MARTS). Also called: Congenital cataract with intellectual disability and hypogonadotropic hypogonadism syndrome. Identifiers: Orphanet 1387, MedGen C0796037, MONDO:0023910.

Allele frequency attached by ClinVar (database versions not stated): gnomAD 0.00004 and 0.00010; gnomAD exomes 0.00005 and 0.00012; TOPMed 0.00008; ExAC 0.00013; 1000 Genomes Project 0.00080; 1000 Genomes Project 30x 0.00094.
gnomAD v4.1: 95 of 1,612,394 alleles (0.0059%); highest among the groups gnomAD compares: East Asian, 0.1%; 1 homozygote.

Submissions (3):

Labcorp Genetics (formerly Invitae), Labcorp
Classification: Uncertain significance for Martsolf syndrome; Warburg micro syndrome 2. Last evaluated: 2021-10-25. Review status: criteria provided, single submitter. Criteria: Invitae Variant Classification Sherloc (09022015). Collection method: clinical testing. Allele origin: germline.
Comment: This sequence change replaces alanine with threonine at codon 16 of the RAB3GAP2 protein (p.Ala16Thr). The alanine residue is weakly conserved and there is a small physicochemical difference between alanine and threonine. This variant is present in population databases (rs201514595, ExAC 0.1%). This variant has not been reported in the literature in individuals affected with RAB3GAP2-related conditions. ClinVar contains an entry for this variant (Variation ID: 295672). Algorithms developed to predict the effect of missense changes on protein structure and function (SIFT, PolyPhen-2, Align-GVGD) all suggest that this variant is likely to be tolerated. In summary, the available evidence is currently insufficient to determine the role of this variant in disease. Therefore, it has been classified as a Variant of Uncertain Significance.

Illumina Laboratory Services, Illumina
Classification: Uncertain significance for Martsolf syndrome 1. Last evaluated: 2018-01-12. Review status: criteria provided, single submitter. Criteria: ICSL Variant Classification Criteria 13 December 2019. Collection method: clinical testing. Allele origin: germline.

Illumina Laboratory Services, Illumina
Classification: Uncertain significance for Warburg micro syndrome 2. Last evaluated: 2018-01-12. Review status: criteria provided, single submitter. Criteria: ICSL Variant Classification Criteria 13 December 2019. Collection method: clinical testing. Allele origin: germline.